The following is an entry in ClinVar:

NM_000038.6(APC):c.2309C>G (p.Ser770Ter)

Gene: APC (APC regulator of Wnt signaling pathway; plus strand). Cytogenetic location: 5q22.2.
Variant type: single nucleotide variant.
Coding change: c.2309C>G on transcript NM_000038.6 (MANE Select); coding-DNA position 2309, C replaced by G.
Protein change: p.Ser770Ter; replaces serine 770 with a stop codon.
Molecular consequence: nonsense.
Genome position (GRCh38, 1-based): chr5:112,837,903, C>G. VCF-style: chr5-112837903-C-G. GRCh37 (hg19) VCF-style: chr5-112173600-C-G.
Other names: c.2309C>G, p.Ser770Ter (NM_001127510.3, NM_001354895.2); c.2255C>G, p.Ser752Ter (NM_001127511.3); c.2363C>G, p.Ser788Ter (NM_001354896.2); c.2339C>G, p.Ser780Ter (NM_001354897.2); c.2234C>G, p.Ser745Ter (NM_001354898.2); c.2225C>G, p.Ser742Ter (NM_001354899.2); c.2186C>G, p.Ser729Ter (NM_001354900.2); c.2132C>G, p.Ser711Ter (NM_001354901.2); and 5 more; short protein forms S770*, S752*, S644*, S669*, S711*, S729*, S745*, S742*.
Identifiers: ClinVar variation 411447 (VCV000411447.15), dbSNP rs1060503310, ClinGen allele CA16026394.

ClinVar aggregate classification (germline): Pathogenic. Review status: criteria provided, multiple submitters, no conflicts (2 of 4 stars). 4 submissions from 4 submitters: Pathogenic (3). 1 of the submissions does not count toward it. Last evaluated 2023-05-25.

Conditions:
Hereditary cancer-predisposing syndrome. Also called: Tumor predisposition; Hereditary Cancer Syndrome; Hereditary neoplastic syndrome; Neoplastic Syndromes, Hereditary. Identifiers: Orphanet 140162, MedGen C0027672, MeSH D009386, MONDO:0015356.
Familial adenomatous polyposis 1 (FAP1). Also called: FAMILIAL ADENOMATOUS POLYPOSIS 1, ATTENUATED; POLYPOSIS, ADENOMATOUS INTESTINAL. Identifiers: MedGen C2713442, MONDO:0021056, OMIM 175100. Disease mechanism: loss of function.

Submissions (4):

Labcorp Genetics (formerly Invitae), Labcorp
Classification: Pathogenic for Familial adenomatous polyposis 1. Last evaluated: 2023-05-25. Review status: criteria provided, single submitter. Criteria: Invitae Variant Classification Sherloc (09022015). Collection method: clinical testing. Allele origin: germline.
Comment: For these reasons, this variant has been classified as Pathogenic. A different truncation (p.Tyr2645Lysfs*14) that lies downstream of this variant has been determined to be pathogenic (PMID: 9824584, 1316610, 27081525, 8381579, 22135120, Invitae). This suggests that deletion of this region of the APC protein is causative of disease. This variant is expected to disrupt the EB1 and HDLG binding sites, which mediate interactions with the cytoskeleton (PMID: 15311282, 17293347). While functional studies have not been performed to directly test the effect on APC protein function, this suggests that disruption of the C-terminal portion of the protein is functionally important. ClinVar contains an entry for this variant (Variation ID: 411447). This premature translational stop signal has been observed in individual(s) with familial adenomatous polyposis (FAP) (PMID: 7746201, 14522379, 20685668). It has also been observed to segregate with disease in related individuals. This variant is not present in population databases (gnomAD no frequency). This sequence change creates a premature translational stop signal (p.Ser770*) in the APC gene. While this is not anticipated to result in nonsense mediated decay, it is expected to disrupt the last 2074 amino acid(s) of the APC protein.

Myriad Genetics, Inc.
Classification: Pathogenic for Familial adenomatous polyposis 1. Last evaluated: 2023-02-14. Review status: criteria provided, single submitter. Criteria: Myriad Autosomal Dominant, Autosomal Recessive and X-Linked Classification Criteria (2023). Collection method: clinical testing. Allele origin: unknown.
Comment: This variant is considered pathogenic. This variant creates a termination codon and is predicted to result in premature protein truncation.

Ambry Genetics
Classification: Pathogenic for Hereditary cancer-predisposing syndrome. Last evaluated: 2021-08-12. Review status: criteria provided, single submitter. Criteria: Ambry Variant Classification Scheme 2023. Collection method: clinical testing. Allele origin: germline.
Comment: The p.S770* pathogenic mutation (also known as c.2309C>G), located in coding exon 15 of the APC gene, results from a C to G substitution at nucleotide position 2309. This changes the amino acid from a serine to a stop codon within coding exon 15. This alteration occurs at the 3' terminus of theAPC gene, is not expected to trigger nonsense-mediated mRNA decay, and impacts the last 2074 amino acids of the protein. However, premature stop codons are typically deleterious in nature and the impacted region is critical for protein function (Ambry internal data). Additionally, this mutation has been reported in multiple unrelated FAP families (Walpole IR et al. Med J Aust, 1995 May;162:464-7; Thomas D et al. Eur J Cancer, 2003 Oct;39:2200-4; Lagarde A et al. J Med Genet, 2010 Oct;47:721-2). Based on the supporting evidence, this alteration is interpreted as a disease-causing mutation.

Counsyl
Classification: Pathogenic for Familial adenomatous polyposis 1. Last evaluated: 2017-03-07. Review status: no assertion criteria provided. Collection method: clinical testing. Allele origin: unknown. Not counted in ClinVar's aggregate classification.

Literature cited by the submitters: PubMed 9824584 (cited by Labcorp Genetics (formerly Invitae), Labcorp); PubMed 1316610 (cited by Labcorp Genetics (formerly Invitae), Labcorp); PubMed 27081525 (cited by Labcorp Genetics (formerly Invitae), Labcorp); PubMed 8381579 (cited by Labcorp Genetics (formerly Invitae), Labcorp); PubMed 22135120 (cited by Labcorp Genetics (formerly Invitae), Labcorp); PubMed 15311282 (cited by Labcorp Genetics (formerly Invitae), Labcorp and Ambry Genetics); PubMed 17293347 (cited by Labcorp Genetics (formerly Invitae), Labcorp and Ambry Genetics); PubMed 7746201 (cited by Labcorp Genetics (formerly Invitae), Labcorp and Ambry Genetics); PubMed 14522379 (cited by 3 submitters); PubMed 20685668 (cited by 3 submitters).